The following is an entry in ClinVar:

ClinVar aggregate classification (germline): Uncertain significance. Review status: criteria provided, multiple submitters, no conflicts (2 of 4 stars). 3 submissions from 3 submitters: Uncertain significance (3). Last evaluated 2024-08-07.

Conditions:
Retinal dystrophy. Also called: Inherited retinal dystrophy. Identifiers: Orphanet 71862, MedGen C0854723, MeSH D058499, MONDO:0019118, HP:0000556.

Allele frequency attached by ClinVar (database versions not stated): ExAC 0.00003; gnomAD exomes 0.00003; TOPMed 0.00004; gnomAD 0.00006 and 0.00007; ESP Exome Variant Server 0.00008; 1000 Genomes Project 0.00020; 1000 Genomes Project 30x 0.00031.
gnomAD v4.1: 151 of 1,614,094 alleles (0.0094%); highest among the groups gnomAD compares: East Asian, 0.016%; no homozygotes.

Submissions (3):

Blueprint Genetics
Classification: Uncertain significance. Last evaluated: 2024-08-07. Review status: criteria provided, single submitter. Criteria: ACMG Guidelines, 2015. Collection method: clinical testing. Allele origin: germline.

Dept Of Ophthalmology, Nagoya University
Classification: Uncertain significance for Retinal dystrophy. Last evaluated: 2023-10-01. Review status: criteria provided, single submitter. Criteria: Submitter's publication. Collection method: research. Allele origin: germline. Affected: yes.

Labcorp Genetics (formerly Invitae), Labcorp
Classification: Uncertain significance. Last evaluated: 2023-06-13. Review status: criteria provided, single submitter. Criteria: Invitae Variant Classification Sherloc (09022015). Collection method: clinical testing. Allele origin: germline.
Comment: In summary, the available evidence is currently insufficient to determine the role of this variant in disease. Therefore, it has been classified as a Variant of Uncertain Significance. An algorithm developed to predict the effect of missense changes on protein structure and function (PolyPhen-2) suggests that this variant is likely to be disruptive. ClinVar contains an entry for this variant (Variation ID: 1036285). This variant has not been reported in the literature in individuals affected with SLC7A14-related conditions. This variant is present in population databases (rs200090294, gnomAD 0.006%). This sequence change replaces threonine, which is neutral and polar, with methionine, which is neutral and non-polar, at codon 415 of the SLC7A14 protein (p.Thr415Met).

NM_020949.3(SLC7A14):c.1244C>T (p.Thr415Met)

Genes: SLC7A14 (solute carrier family 7 member 14; minus strand), SLC7A14-AS1 (SLC7A14 antisense RNA 1; plus strand). Cytogenetic location: 3q26.2.
Variant type: single nucleotide variant.
Coding change: c.1244C>T on transcript NM_020949.3 (MANE Select); coding-DNA position 1244, C replaced by T.
Protein change: p.Thr415Met; replaces threonine 415 with methionine.
Molecular consequence: missense variant.
Genome position (GRCh38, 1-based): chr3:170,481,038, G>A on the plus strand (C>T on the coding strand, the complement: SLC7A14 is on the minus strand). VCF-style: chr3-170481038-G-A. GRCh37 (hg19) VCF-style: chr3-170198827-G-A.
Other names: short protein forms T415M.
Identifiers: ClinVar variation 1036285 (VCV001036285.11), dbSNP rs200090294, ClinGen allele CA2701658.